The following is an entry in ClinVar:

ClinVar aggregate classification (germline): Uncertain significance (1 of 4 stars; one submission).

Submission:

GeneDx
Classification: Uncertain significance. Last evaluated: 2023-06-13. Review status: criteria provided, single submitter. Criteria: GeneDx Variant Classification Process June 2021. Collection method: clinical testing. Allele origin: germline. Affected: yes.
Comment: Has not been previously published as pathogenic or benign to our knowledge; Not observed at significant frequency in large population cohorts (gnomAD); In silico analysis supports that this missense variant has a deleterious effect on protein structure/function.

NM_003036.4(SKI):c.505T>C (p.Phe169Leu)

Gene: SKI (SKI proto-oncogene; plus strand). Cytogenetic location: 1p36.33.
Variant type: single nucleotide variant.
Coding change: c.505T>C on transcript NM_003036.4 (MANE Select); coding-DNA position 505, T replaced by C.
Protein change: p.Phe169Leu; replaces phenylalanine 169 with leucine.
Molecular consequence: missense variant.
Genome position (GRCh38, 1-based): chr1:2,229,271, T>C. VCF-style: chr1-2229271-T-C. GRCh37 (hg19) VCF-style: chr1-2160710-T-C.
Other names: short protein forms F169L.
Identifiers: ClinVar variation 2506870 (VCV002506870.1), dbSNP rs2527577972, ClinGen allele CA337953606.